The following is an entry in ClinVar:

ClinVar aggregate classification (germline): Uncertain significance (1 of 4 stars; one submission).

Conditions:
Brugada syndrome 4 (BRGDA4). Identifiers: Orphanet 130, MedGen C2678477, MONDO:0012743, OMIM 611876.

Submission:

Labcorp Genetics (formerly Invitae), Labcorp
Classification: Uncertain significance for Brugada syndrome 4. Last evaluated: 2020-11-09. Review status: criteria provided, single submitter. Criteria: Invitae Variant Classification Sherloc (09022015). Collection method: clinical testing. Allele origin: germline.
Comment: In summary, the available evidence is currently insufficient to determine the role of this variant in disease. Therefore, it has been classified as a Variant of Uncertain Significance. Algorithms developed to predict the effect of missense changes on protein structure and function are either unavailable or do not agree on the potential impact of this missense change (SIFT: "Deleterious"; PolyPhen-2: "Probably Damaging"; Align-GVGD: "Class C0"). This variant has not been reported in the literature in individuals with CACNB2-related conditions. This variant is not present in population databases (ExAC no frequency). This sequence change replaces aspartic acid with tyrosine at codon 174 of the CACNB2 protein (p.Asp174Tyr). The aspartic acid residue is highly conserved and there is a large physicochemical difference between aspartic acid and tyrosine.

NM_201596.3(CACNB2):c.682G>T (p.Asp228Tyr)

Gene: CACNB2 (calcium voltage-gated channel auxiliary subunit beta 2; plus strand). Cytogenetic location: 10p12.31.
Variant type: single nucleotide variant.
Coding change: c.682G>T on transcript NM_201596.3 (MANE Select); coding-DNA position 682, G replaced by T.
Protein change: p.Asp228Tyr; replaces aspartic acid 228 with tyrosine.
Molecular consequence: missense variant. On other transcripts: intron variant (5).
Genome position (GRCh38, 1-based): chr10:18,514,247, G>T. VCF-style: chr10-18514247-G-T. GRCh37 (hg19) VCF-style: chr10-18803176-G-T.
Other names: c.517G>T, p.Asp173Tyr (NM_000724.4); c.538G>T, p.Asp180Tyr (NM_201570.3); c.598G>T, p.Asp200Tyr (NM_201571.4); c.520G>T, p.Asp174Tyr (NM_201590.3); c.587-264G>T (NM_001167945.2); c.587-733G>T (NM_201572.4); c.671-264G>T (NM_201593.3); c.671-733G>T (NM_201597.3); and 1 more; short protein forms D173Y, D174Y, D200Y, D180Y, D228Y.
Identifiers: ClinVar variation 1467158 (VCV001467158.8), dbSNP rs2133126746, ClinGen allele CA376060484.
Genomic context (GRCh38, chr10:18,514,247, plus strand): 5'-CCTATTTTTCCTCTCCTGTCCACCTGATTTTTGAATTGTCTGTATATAGCTATAGACATA[G>T]ATGCTACTGGCTTAGATGCAGAAGAAAATGATATTCCAGCAAACCACCGCTCCCCTAAAC-3'
Protein context (NP_963890.2, residues 218-238): STPPSSAIDI[Asp228Tyr]ATGLDAEEND